The following is an entry in ClinVar:

ClinVar aggregate classification (germline): Uncertain significance (1 of 4 stars; one submission).

gnomAD v4.1: 6 of 1,610,938 alleles (0.00037%); highest among the groups gnomAD compares: East Asian, 0.013%; no homozygotes.

Submission:

Labcorp Genetics (formerly Invitae), Labcorp
Classification: Uncertain significance. Last evaluated: 2025-06-10. Review status: criteria provided, single submitter. Criteria: Invitae Variant Classification Sherloc (09022015). Collection method: clinical testing. Allele origin: germline.
Comment: This sequence change replaces proline, which is neutral and non-polar, with leucine, which is neutral and non-polar, at codon 412 of the HSPG2 protein (p.Pro412Leu). This variant is present in population databases (rs757926189, gnomAD 0.04%). This variant has not been reported in the literature in individuals affected with HSPG2-related conditions. An algorithm developed to predict the effect of missense changes on protein structure and function (PolyPhen-2) suggests that this variant is likely to be disruptive. In summary, the available evidence is currently insufficient to determine the role of this variant in disease. Therefore, it has been classified as a Variant of Uncertain Significance.

NM_005529.7(HSPG2):c.1235C>T (p.Pro412Leu)

Gene: HSPG2 (heparan sulfate proteoglycan 2; minus strand). Cytogenetic location: 1p36.12.
Variant type: single nucleotide variant.
Coding change: c.1235C>T on transcript NM_005529.7 (MANE Select); coding-DNA position 1235, C replaced by T.
Protein change: p.Pro412Leu; replaces proline 412 with leucine.
Molecular consequence: missense variant.
Genome position (GRCh38, 1-based): chr1:21,885,133, G>A on the plus strand (C>T on the coding strand, the complement: HSPG2 is on the minus strand). VCF-style: chr1-21885133-G-A. GRCh37 (hg19) VCF-style: chr1-22211626-G-A.
Other names: c.1235C>T, p.Pro412Leu (NM_001291860.2); short protein forms P412L.
Identifiers: ClinVar variation 4697847 (VCV004697847.1).